The following is an entry in ClinVar:

NM_031263.4(HNRNPK):c.398dup (p.Leu133fs)

Genes: HNRNPK-AS1 (HNRNPK antisense RNA 1; plus strand), HNRNPK (heterogeneous nuclear ribonucleoprotein K; minus strand). Cytogenetic location: 9q21.32.
Variant type: Duplication.
Coding change: c.398dup on transcript NM_031263.4 (MANE Select); coding-DNA position 398, one base duplicated (T; older notation c.398dupT).
Protein change: p.Leu133fs; shifts the reading frame from leucine 133.
Molecular consequence: frameshift variant. On other transcripts: intron variant (2).
Genome position (GRCh38, 1-based): chr9:83,973,906, A duplicated on the plus strand (T on the coding strand, the reverse complement: HNRNPK is on the minus strand); the first of 2 consecutive A bases (chr9:83,973,906-83,973,907); duplicating either gives the same sequence. VCF-style (leftmost placement, unchanged base first): chr9-83973905-T-TA. GRCh37 (hg19) VCF-style: chr9-86588820-T-TA.
Other names: c.398dup, p.Leu133fs (NM_001318188.2, NM_002140.5, NM_031262.4); c.331-507dup (NM_001318186.2, NM_001318187.2); short protein forms L133fs.
Identifiers: ClinVar variation 2099367 (VCV002099367.4), dbSNP rs2491990519, ClinGen allele CA2580080631.
Genomic context (GRCh38, chr9:83,973,905, plus strand): 5'-TCGATCCTATGGGCCAGGCTCCATACTTCAGTGGGGTTCAATGGCACTATGACATACATT[T>TA]AAGCATTCCACAGCATCAGATTCGAGCGGGAGCTGGCTGGTTGCAGTGGGTGATGGCAAC-3'

ClinVar aggregate classification (germline): Pathogenic (1 of 4 stars; one submission).

Submission:

Labcorp Genetics (formerly Invitae), Labcorp
Classification: Pathogenic. Last evaluated: 2022-02-19. Review status: criteria provided, single submitter. Criteria: Invitae Variant Classification Sherloc (09022015). Collection method: clinical testing. Allele origin: germline.
Comment: This sequence change creates a premature translational stop signal (p.Leu133Phefs*7) in the HNRNPK gene. It is expected to result in an absent or disrupted protein product. Loss-of-function variants in HNRNPK are known to be pathogenic (PMID: 26173930, 26954065). This variant is not present in population databases (gnomAD no frequency). This variant has not been reported in the literature in individuals affected with HNRNPK-related conditions. For these reasons, this variant has been classified as Pathogenic.

Literature cited by the submitters: PubMed 26173930; PubMed 26954065.